The following is an entry in ClinVar:

NM_001080467.3(MYO5B):c.5513C>T (p.Ala1838Val)

Genes: MYO5B (myosin VB; minus strand), SNHG22 (small nucleolar RNA host gene 22; plus strand). Cytogenetic location: 18q21.1.
Variant type: single nucleotide variant.
Coding change: c.5513C>T on transcript NM_001080467.3 (MANE Select); coding-DNA position 5513, C replaced by T.
Protein change: p.Ala1838Val; replaces alanine 1838 with valine.
Molecular consequence: missense variant.
Genome position (GRCh38, 1-based): chr18:49,826,505, G>A on the plus strand (C>T on the coding strand, the complement: MYO5B is on the minus strand). VCF-style: chr18-49826505-G-A. GRCh37 (hg19) VCF-style: chr18-47352875-G-A.
Other names: short protein forms A1838V.
Identifiers: ClinVar variation 1347397 (VCV001347397.8), dbSNP rs749035019, ClinGen allele CA8960019.

ClinVar aggregate classification (germline): Uncertain significance (1 of 4 stars; one submission).

Allele frequency attached by ClinVar (database versions not stated): TOPMed below 0.00001.
gnomAD v4.1: 11 of 1,613,976 alleles (0.00068%); highest among the groups gnomAD compares: East Asian, 0.0022%; no homozygotes.

Submission:

Labcorp Genetics (formerly Invitae), Labcorp
Classification: Uncertain significance. Last evaluated: 2022-02-10. Review status: criteria provided, single submitter. Criteria: Invitae Variant Classification Sherloc (09022015). Collection method: clinical testing. Allele origin: germline.
Comment: The frequency data for this variant in the population databases is considered unreliable, as metrics indicate poor data quality at this position in the gnomAD database. This sequence change replaces alanine, which is neutral and non-polar, with valine, which is neutral and non-polar, at codon 1838 of the MYO5B protein (p.Ala1838Val). In summary, the available evidence is currently insufficient to determine the role of this variant in disease. Therefore, it has been classified as a Variant of Uncertain Significance. Algorithms developed to predict the effect of sequence changes on RNA splicing suggest that this variant may create or strengthen a splice site. Algorithms developed to predict the effect of missense changes on protein structure and function are either unavailable or do not agree on the potential impact of this missense change (SIFT: "Deleterious"; PolyPhen-2: "Possibly Damaging"; Align-GVGD: "Class C0"). This variant has not been reported in the literature in individuals affected with MYO5B-related conditions.